The following is an entry in ClinVar:

NM_001142864.4(PIEZO1):c.1684C>G (p.Gln562Glu)

Genes: HSALR1 (HSP90AB1 associated lncRNA 1; plus strand), PIEZO1 (piezo type mechanosensitive ion channel component 1 (Er blood group); minus strand). Cytogenetic location: 16q24.3.
Variant type: single nucleotide variant.
Coding change: c.1684C>G on transcript NM_001142864.4 (MANE Select); coding-DNA position 1684, C replaced by G.
Protein change: p.Gln562Glu; replaces glutamine 562 with glutamic acid.
Molecular consequence: missense variant.
Genome position (GRCh38, 1-based): chr16:88,735,039, G>C on the plus strand (C>G on the coding strand, the complement: PIEZO1 is on the minus strand). VCF-style: chr16-88735039-G-C. GRCh37 (hg19) VCF-style: chr16-88801447-G-C.
Other names: c.1684C>G (NM_001142864.2); c.229C>G, p.Gln77Glu (NM_014745.1); short protein forms Q562E, Q77E.
Identifiers: ClinVar variation 2636612 (VCV002636612.10), dbSNP rs1017268345, ClinGen allele CA286425077.

ClinVar aggregate classification (germline): Uncertain significance. Review status: criteria provided, multiple submitters, no conflicts (2 of 4 stars). 3 submissions from 3 submitters: Uncertain significance (3). Last evaluated 2026-04-01.

Conditions:
PIEZO1-related disorder. Also called: PIEZO1-Related Disorders; PIEZO1-related condition.
Inborn genetic diseases. Identifiers: MedGen C0950123, MeSH D030342.

Allele frequency attached by ClinVar (database versions not stated): gnomAD exomes below 0.00001.
gnomAD v4.1: 11 of 1,550,390 alleles (0.00071%); highest among the groups gnomAD compares: East Asian, 0.0049%; no homozygotes.

Submissions (3):

CeGaT Center for Human Genetics Tuebingen
Classification: Uncertain significance. Last evaluated: 2026-04-01. Review status: criteria provided, single submitter. Criteria: CeGaT Center For Human Genetics Tuebingen Variant Classification Criteria Version 2. Collection method: clinical testing. Allele origin: germline. Affected: yes. Observed: 2 variant alleles.
Comment: PIEZO1: PM2, BP4

Ambry Genetics
Classification: Uncertain significance for Inborn genetic diseases. Last evaluated: 2025-04-12. Review status: criteria provided, single submitter. Criteria: Ambry Variant Classification Scheme 2023. Collection method: clinical testing. Allele origin: germline.

PreventionGenetics, part of Exact Sciences
Classification: Uncertain significance for PIEZO1-related condition. Last evaluated: 2023-03-06. Review status: criteria provided, single submitter. Criteria: ACMG Guidelines, 2015. Collection method: clinical testing. Allele origin: germline.
Comment: The PIEZO1 c.1684C>G variant is predicted to result in the amino acid substitution p.Gln562Glu. To our knowledge, this variant has not been reported in the literature or in a large population database, indicating this variant is rare. At this time, the clinical significance of this variant is uncertain due to the absence of conclusive functional and genetic evidence.